The following is an entry in ClinVar:

ClinVar aggregate classification (germline): Uncertain significance (1 of 4 stars; one submission).

Conditions:
Cardiomyopathy (CMYO). Also called: Cardiomyopathies. Identifiers: Orphanet 167848, MedGen C0878544, MONDO:0004994, HP:0001638. Inheritance: Various modes of inheritance.

Submission:

Color Diagnostics, LLC DBA Color Health
Classification: Uncertain significance for Cardiomyopathy. Last evaluated: 2025-08-24. Review status: criteria provided, single submitter. Criteria: ACMG Guidelines, 2015. Collection method: clinical testing. Allele origin: germline.
Comment: This missense variant replaces threonine with alanine at codon 2390 of the RYR2 protein. Computational prediction is inconclusive regarding the impact of this variant on protein structure and function. To our knowledge, functional studies have not been reported for this variant. This variant has not been reported in individuals affected with RYR2-related disorders in the literature. This variant has not been identified in the general population by the Genome Aggregation Database (gnomAD). The available evidence is insufficient to determine the role of this variant in disease conclusively. Therefore, this variant is classified as a Variant of Uncertain Significance.

NM_001035.3(RYR2):c.7168A>G (p.Thr2390Ala)

Gene: RYR2 (ryanodine receptor 2; plus strand). Cytogenetic location: 1q43.
Variant type: single nucleotide variant.
Coding change: c.7168A>G on transcript NM_001035.3 (MANE Select); coding-DNA position 7168, A replaced by G.
Protein change: p.Thr2390Ala; replaces threonine 2390 with alanine.
Molecular consequence: missense variant.
Genome position (GRCh38, 1-based): chr1:237,640,949, A>G. VCF-style: chr1-237640949-A-G. GRCh37 (hg19) VCF-style: chr1-237804249-A-G.
Other names: short protein forms T2390A.
Identifiers: ClinVar variation 4757983 (VCV004757983.1).